The following is an entry in ClinVar:

ClinVar aggregate classification (germline): Pathogenic/Likely pathogenic. Review status: criteria provided, multiple submitters, no conflicts (2 of 4 stars). 2 submissions from 2 submitters: Pathogenic (1); Likely pathogenic (1). Last evaluated 2022-09-13.

Submissions (2):

Labcorp Genetics (formerly Invitae), Labcorp
Classification: Pathogenic. Last evaluated: 2022-09-13. Review status: criteria provided, single submitter. Criteria: Invitae Variant Classification Sherloc (09022015). Collection method: clinical testing. Allele origin: germline.
Comment: This missense change has been observed in individual(s) with clinical features of methylmalonic aciduria (Invitae). For these reasons, this variant has been classified as Pathogenic. This variant disrupts the p.Gly630 amino acid residue in MUT. Other variant(s) that disrupt this residue have been determined to be pathogenic (PMID: 7912889, 17113806, 24865477, 27167370). This suggests that this residue is clinically significant, and that variants that disrupt this residue are likely to be disease-causing. Advanced modeling of protein sequence and biophysical properties (such as structural, functional, and spatial information, amino acid conservation, physicochemical variation, residue mobility, and thermodynamic stability) performed at Invitae indicates that this missense variant is expected to disrupt MUT protein function. ClinVar contains an entry for this variant (Variation ID: 618735). This variant is not present in population databases (gnomAD no frequency). This sequence change replaces glycine, which is neutral and non-polar, with alanine, which is neutral and non-polar, at codon 630 of the MUT protein (p.Gly630Ala).

ARUP Laboratories, Molecular Genetics and Genomics, ARUP Laboratories
Classification: Likely pathogenic. Last evaluated: 2018-08-31. Review status: criteria provided, single submitter. Criteria: ARUP Molecular Germline Variant Investigation Process. Collection method: clinical testing. Allele origin: germline.
Comment: The MUT c.1889G>C; p.Gly630Ala variant, to our knowledge, is not described in the medical literature or gene-specific databases. It is also absent from general population databases (1000 Genomes Project, Exome Variant Server, and Genome Aggregation Database), indicating it is not a common polymorphism. The glycine at codon 630 is highly conserved, and computational algorithms (PolyPhen-2, SIFT) predict that this variant is deleterious. Additionally, another variant at this codon (c.1889G>A; p.Gly630Glu) has been reported in the homozygous and compound heterozygous state in individuals affected with methylmalonic academia (Crane 1994, Lempp 2006, Worgan 2006). Based on available information, this variant is considered likely pathogenic. Pathogenic MUT variants are inherited in an autosomal recessive manner and are associated with methylmalonic aciduria, mut(0) type (MIM: 251000). References: Crane AM et al. Clustering of mutations in methylmalonyl CoA mutase associated with mut- methylmalonic acidemia. Am J Hum Genet. 1994 Jul;55(1):42-50. Lempp TJ et al. Mutation and biochemical analysis of 19 probands with mut0 and 13 with mut- methylmalonic aciduria: identification of seven novel mutations. Mol Genet Metab. 2007 Mar;90(3):284-90. Epub 2006 Nov 20. Worgan LC et al. Spectrum of mutations in mut methylmalonic acidemia and identification of a common Hispanic mutation and haplotype. Hum Mutat. 2006 Jan;27(1):31-43.

Literature cited by the submitters: PubMed 7912889 (cited by Labcorp Genetics (formerly Invitae), Labcorp); PubMed 17113806 (cited by Labcorp Genetics (formerly Invitae), Labcorp); PubMed 24865477 (cited by Labcorp Genetics (formerly Invitae), Labcorp); PubMed 27167370 (cited by Labcorp Genetics (formerly Invitae), Labcorp).

NM_000255.4(MMUT):c.1889G>C (p.Gly630Ala)

Gene: MMUT (methylmalonyl-CoA mutase; minus strand). Cytogenetic location: 6p12.3.
Variant type: single nucleotide variant.
Coding change: c.1889G>C on transcript NM_000255.4 (MANE Select); coding-DNA position 1889, G replaced by C.
Protein change: p.Gly630Ala; replaces glycine 630 with alanine.
Molecular consequence: missense variant.
Genome position (GRCh38, 1-based): chr6:49,440,273, C>G on the plus strand (G>C on the coding strand, the complement: MMUT is on the minus strand). VCF-style: chr6-49440273-C-G. GRCh37 (hg19) VCF-style: chr6-49407986-C-G.
Other names: short protein forms G630A.
Identifiers: ClinVar variation 618735 (VCV000618735.13), dbSNP rs143023066, ClinGen allele CA364395126.